The following is an entry in ClinVar:

ClinVar aggregate classification (germline): Uncertain significance (1 of 4 stars; one submission).

Submission:

Women's Health and Genetics/Laboratory Corporation of America, LabCorp
Classification: Uncertain significance. Last evaluated: 2025-06-03. Review status: criteria provided, single submitter. Criteria: LabCorp Variant Classification Summary - May 2015. Collection method: clinical testing. Allele origin: germline.
Comment: Variant summary: TECTA c.779G>T (p.Cys260Phe) results in a non-conservative amino acid change located in the von Willebrand factor (VWF) type C (VWFC) repeat domain (IPR001007) of the encoded protein sequence. Algorithms developed to predict the effect of missense changes on protein structure and function all suggest that this variant is likely to be disruptive. The variant was absent in 250936 control chromosomes (gnomAD). The available data on variant occurrences in the general population are insufficient to allow any conclusion about variant significance. To our knowledge, no occurrence of c.779G>T in individuals affected with Deafness, Autosomal Recessive 21 and no experimental evidence demonstrating its impact on protein function have been reported. ClinVar contains an entry for this variant (Variation ID: 3385293). Based on the evidence outlined above, the variant was classified as uncertain significance.

NM_005422.4(TECTA):c.779G>T (p.Cys260Phe)

Genes: TBCEL-TECTA (TBCEL-TECTA readthrough; plus strand), TECTA (tectorin alpha; plus strand). Cytogenetic location: 11q23.3.
Variant type: single nucleotide variant.
Coding change: c.779G>T on transcript NM_005422.4 (MANE Select); coding-DNA position 779, G replaced by T.
Protein change: p.Cys260Phe; replaces cysteine 260 with phenylalanine.
Molecular consequence: missense variant.
Genome position (GRCh38, 1-based): chr11:121,113,707, G>T. VCF-style: chr11-121113707-G-T. GRCh37 (hg19) VCF-style: chr11-120984416-G-T.
Other names: c.1736G>T, p.Cys579Phe (NM_001378761.1); short protein forms C260F, C579F.
Identifiers: ClinVar variation 3385293 (VCV003385293.2).